The following is an entry in ClinVar:

NM_004970.3(IGFALS):c.1259A>G (p.Asn420Ser)

Gene: IGFALS (insulin like growth factor binding protein acid labile subunit; minus strand). Cytogenetic location: 16p13.3.
Variant type: single nucleotide variant.
Coding change: c.1259A>G on transcript NM_004970.3 (MANE Select); coding-DNA position 1259, A replaced by G.
Protein change: p.Asn420Ser; replaces asparagine 420 with serine.
Molecular consequence: missense variant. On other transcripts: non-coding transcript variant (1).
Genome position (GRCh38, 1-based): chr16:1,791,159, T>C on the plus strand (A>G on the coding strand, the complement: IGFALS is on the minus strand). VCF-style: chr16-1791159-T-C. GRCh37 (hg19) VCF-style: chr16-1841160-T-C.
Other names: c.1373A>G, p.Asn458Ser (NM_001146006.2); short protein forms N420S, N458S.
Identifiers: ClinVar variation 5017401 (VCV005017401.1).

ClinVar aggregate classification (germline): Uncertain significance (1 of 4 stars; one submission).

gnomAD v4.1: 3 of 1,606,814 alleles (0.00019%); highest among the groups gnomAD compares: Non-Finnish European, 0.00025%; no homozygotes.

Submission:

GeneDx
Classification: Uncertain significance. Last evaluated: 2026-03-27. Review status: criteria provided, single submitter. Criteria: GeneDx Variant Classification Process June 2021. Collection method: clinical testing. Allele origin: germline.
Comment: In silico analysis supports that this missense variant has a deleterious effect on protein structure/function; Has not been previously published as pathogenic or benign to our knowledge